The following is an entry in ClinVar:

NM_004333.6(BRAF):c.-24dup

Gene: BRAF (B-Raf proto-oncogene, serine/threonine kinase; minus strand). Cytogenetic location: 7q34.
Variant type: Duplication.
Coding change: c.-24dup on transcript NM_004333.6 (MANE Select); 24 bases upstream of the start codon, one base duplicated (C; older notation c.-24dupC).
Molecular consequence: 5 prime UTR variant.
Genome position (GRCh38, 1-based): chr7:140,924,727, G duplicated on the plus strand (C on the coding strand, the reverse complement: BRAF is on the minus strand). VCF-style (leftmost placement, unchanged base first): chr7-140924726-C-CG. GRCh37 (hg19) VCF-style: chr7-140624526-C-CG.
Other names: c.-24dupC (NM_004333.4); c.-24dup (NM_001354609.2, NM_001374244.1, NM_001374258.1 and 7 more transcripts).
Identifiers: ClinVar variation 561672 (VCV000561672.1), dbSNP rs1395865715, ClinGen allele CA658821907.

ClinVar aggregate classification (germline): Likely benign (1 of 4 stars; one submission).

Allele frequency attached by ClinVar (database versions not stated): TOPMed 0.00002 and 0.00001; gnomAD 0.00001.

Submission:

GeneDx
Classification: Likely benign. Last evaluated: 2018-05-24. Review status: criteria provided, single submitter. Criteria: GeneDx Variant Classification (06012015). Collection method: clinical testing. Allele origin: germline. Affected: yes.
Comment: This variant is considered likely benign or benign based on one or more of the following criteria: it is a conservative change, it occurs at a poorly conserved position in the protein, it is predicted to be benign by multiple in silico algorithms, and/or has population frequency not consistent with disease.